The following is an entry in ClinVar:

ClinVar aggregate classification (germline): Pathogenic. Review status: criteria provided, multiple submitters, no conflicts (2 of 4 stars). 3 submissions from 3 submitters: Pathogenic (2). 1 of the submissions does not count toward it. Last evaluated 2023-04-08.

Conditions:
Deficiency of steroid 11-beta-monooxygenase (CYP11B1). Also called: STEROID 11-BETA-HYDROXYLASE DEFICIENCY; ADRENAL HYPERPLASIA IV; ADRENAL HYPERPLASIA, CONGENITAL, DUE TO STEROID 11-BETA-HYDROXYLASE DEFICIENCY; 11-BETA-HYDROXYLASE DEFICIENCY; P450C11B1 DEFICIENCY; Congenital adrenal hyperplasia due to 11-beta-hydroxylase deficiency. Identifiers: Orphanet 90795, MedGen C0268292, MONDO:0008729, OMIM 202010. Disease mechanism: loss of function.

Allele frequency attached by ClinVar (database versions not stated): gnomAD exomes 0.00001.
gnomAD v4.1: 18 of 1,614,056 alleles (0.0011%); highest among the groups gnomAD compares: Non-Finnish European, 0.0015%; no homozygotes.

Submissions (3):

Labcorp Genetics (formerly Invitae), Labcorp
Classification: Pathogenic. Last evaluated: 2023-04-08. Review status: criteria provided, single submitter. Criteria: Invitae Variant Classification Sherloc (09022015). Collection method: clinical testing. Allele origin: germline.
Comment: For these reasons, this variant has been classified as Pathogenic. ClinVar contains an entry for this variant (Variation ID: 554358). This premature translational stop signal has been observed in individual(s) with adrenal hyperplasia (PMID: 8768848). In at least one individual the data is consistent with being in trans (on the opposite chromosome) from a pathogenic variant. This variant is not present in population databases (gnomAD no frequency). This sequence change creates a premature translational stop signal (p.Trp247*) in the CYP11B1 gene. It is expected to result in an absent or disrupted protein product. Loss-of-function variants in CYP11B1 are known to be pathogenic (PMID: 8506298, 26476331).

Baylor Genetics
Classification: Pathogenic for Deficiency of steroid 11-beta-monooxygenase. Last evaluated: 2022-09-08. Review status: criteria provided, single submitter. Criteria: ACMG Guidelines, 2015. Collection method: clinical testing. Allele origin: unknown.

Counsyl
Classification: Pathogenic for Deficiency of steroid 11-beta-monooxygenase. Last evaluated: 2017-10-17. Review status: no assertion criteria provided. Collection method: clinical testing. Allele origin: unknown. Not counted in ClinVar's aggregate classification.

Literature cited by the submitters: PubMed 8768848 (cited by Labcorp Genetics (formerly Invitae), Labcorp and Counsyl); PubMed 8506298 (cited by Labcorp Genetics (formerly Invitae), Labcorp); PubMed 26476331 (cited by Labcorp Genetics (formerly Invitae), Labcorp).

NM_000497.4(CYP11B1):c.740G>A (p.Trp247Ter)

Genes: CYP11B1 (cytochrome P450 family 11 subfamily B member 1; minus strand), LOC106799833 (CYP11B1 recombination region; plus strand). Cytogenetic location: 8q24.3.
Variant type: single nucleotide variant.
Coding change: c.740G>A on transcript NM_000497.4 (MANE Select); coding-DNA position 740, G replaced by A.
Protein change: p.Trp247Ter; replaces tryptophan 247 with a stop codon.
Molecular consequence: nonsense.
Genome position (GRCh38, 1-based): chr8:142,876,741, C>T on the plus strand (G>A on the coding strand, the complement: CYP11B1 is on the minus strand). VCF-style: chr8-142876741-C-T. GRCh37 (hg19) VCF-style: chr8-143958157-C-T.
Other names: c.740G>A, p.Trp247Ter (NM_001026213.1); short protein forms W247*.
Identifiers: ClinVar variation 554358 (VCV000554358.12), dbSNP rs866430018, ClinGen allele CA187464090.